The following is an entry in ClinVar:

NM_001080453.3(INTS1):c.4173C>T (p.Val1391=)

Gene: INTS1 (integrator complex subunit 1; minus strand). Cytogenetic location: 7p22.3.
Variant type: single nucleotide variant.
Coding change: c.4173C>T on transcript NM_001080453.3 (MANE Select); coding-DNA position 4173, C replaced by T.
Protein change: p.Val1391=; no amino-acid change (valine 1391 retained).
Molecular consequence: synonymous variant.
Genome position (GRCh38, 1-based): chr7:1,479,586, G>A on the plus strand (C>T on the coding strand, the complement: INTS1 is on the minus strand). VCF-style: chr7-1479586-G-A. GRCh37 (hg19) VCF-style: chr7-1519222-G-A.
Other names: c.690C>T, p.Val230= (NM_015674.1).
Identifiers: ClinVar variation 2657194 (VCV002657194.25), dbSNP rs376127000, ClinGen allele CA4118951.
Genomic context (GRCh38, chr7:1,479,586, plus strand): 5'-GGTGGCGAGGGCCTGCAGGACACGCACCGTGATGCCCGGCACCTCGGGGCTGCCCTGGAC[G>A]ACGCGGGCCAGCTCCTGGCCCAGGGCCTGCTGCAGGGCGAGGGCCACGGGGCGGGGACTG-3'
Protein context (NP_001073922.2, residues 1381-1401): QQALGQELAR[Val1391=]VQGSPEVPGI

ClinVar aggregate classification (germline): Likely benign. Review status: criteria provided, multiple submitters, no conflicts (2 of 4 stars). 2 submissions from 2 submitters: Likely benign (2). Last evaluated 2026-09-01.

Allele frequency attached by ClinVar (database versions not stated): 1000 Genomes Project 0.00040; 1000 Genomes Project 30x 0.00047; ESP Exome Variant Server 0.00115; TOPMed 0.00235; gnomAD 0.00236; ExAC 0.00287; gnomAD exomes 0.00442.
gnomAD v4.1: 6,444 of 1,540,916 alleles (0.42%); highest among the groups gnomAD compares: Non-Finnish European, 0.51%; 21 homozygotes.

Submissions (2):

CeGaT Center for Human Genetics Tuebingen
Classification: Likely benign. Last evaluated: 2026-09-01. Review status: criteria provided, single submitter. Criteria: CeGaT Center For Human Genetics Tuebingen Variant Classification Criteria Version 2. Collection method: clinical testing. Allele origin: germline. Affected: yes. Observed: 6 variant alleles.
Comment: INTS1: BP4, BP7, BS2

Blueprint Genetics
Classification: Likely benign. Last evaluated: 2024-11-15. Review status: criteria provided, single submitter. Criteria: ACMG Guidelines, 2015. Collection method: clinical testing. Allele origin: germline.